The following is an entry in ClinVar:

NM_001145418.2(TTC28):c.5205G>A (p.Pro1735=)

Genes: TTC28 (tetratricopeptide repeat domain 28; minus strand), TTC28-AS1 (TTC28 antisense RNA 1; plus strand). Cytogenetic location: 22q12.1.
Variant type: single nucleotide variant.
Coding change: c.5205G>A on transcript NM_001145418.2 (MANE Select); coding-DNA position 5205, G replaced by A.
Protein change: p.Pro1735=; no amino-acid change (proline 1735 retained).
Molecular consequence: synonymous variant.
Genome position (GRCh38, 1-based): chr22:27,996,174, C>T on the plus strand (G>A on the coding strand, the complement: TTC28 is on the minus strand). VCF-style: chr22-27996174-C-T. GRCh37 (hg19) VCF-style: chr22-28392162-C-T.
Other names: c.5205G>A, p.Pro1735= (NM_001393403.1); c.4851G>A, p.Pro1617= (NM_001393404.1, NM_001393405.1).
Identifiers: ClinVar variation 3046441 (VCV003046441.2), dbSNP rs572257896, ClinGen allele CA10167164.
Genomic context (GRCh38, chr22:27,996,174, plus strand): 5'-CAGGGTGCCCGACCCCCTTACCAGGTGCAGCAGCACTCGCAGGGCGTCCCGCGCACGCTC[C>T]GGGTGCTGCAGGATCTCTGTGAGGGCCTGGCCGATGAGTGATGAGGGGCTGTTCAGCTTA-3'
Protein context (NP_001138890.1, residues 1725-1745): GQALTEILQH[Pro1735=]ERARDALRVL

ClinVar aggregate classification (germline): Likely benign (0 of 4 stars; one submission).

Conditions:
TTC28-related disorder. Also called: TTC28-related condition.

Allele frequency attached by ClinVar (database versions not stated): TOPMed 0.00002; gnomAD 0.00005; gnomAD exomes 0.00005; ExAC 0.00010; 1000 Genomes Project 30x 0.00031; 1000 Genomes Project 0.00040.
gnomAD v4.1: 71 of 1,551,064 alleles (0.0046%); highest among the groups gnomAD compares: South Asian, 0.051%; no homozygotes.

Submission:

PreventionGenetics, part of Exact Sciences
Classification: Likely benign for TTC28-related condition. Last evaluated: 2019-04-01. Review status: no assertion criteria provided. Collection method: clinical testing. Allele origin: germline.
Comment: This variant is classified as likely benign based on ACMG/AMP sequence variant interpretation guidelines (Richards et al. 2015 PMID: 25741868, with internal and published modifications).